The following is an entry in ClinVar:

NM_001034853.2(RPGR):c.2581del (p.Glu861fs)

Gene: RPGR (retinitis pigmentosa GTPase regulator; minus strand). Cytogenetic location: Xp11.4.
Variant type: Deletion.
Coding change: c.2581del on transcript NM_001034853.2 (MANE Select); coding-DNA position 2581, one base deleted (G; older notation c.2581delG).
Protein change: p.Glu861fs; shifts the reading frame from glutamic acid 861.
Molecular consequence: frameshift variant. On other transcripts: intron variant (8).
Genome position (GRCh38, 1-based): chrX:38,286,418, C deleted on the plus strand (G on the coding strand, the reverse complement: RPGR is on the minus strand). VCF-style (leftmost placement, unchanged base first): chrX-38286417-TC-T. GRCh37 (hg19) VCF-style: chrX-38145670-TC-T.
Other names: NM_001034853.2:c.2581del; c.1569+4541del (NM_001367249.1, NM_001367250.1); c.1902+676del (NM_001367245.1); c.1386+4541del (NM_001367251.1); c.1719+676del (NM_001367246.1); c.1572+4541del (NM_001367247.1); c.1905+676del (NM_000328.3); c.1602+4541del (NM_001367248.1); short protein forms E861fs.
Identifiers: ClinVar variation 5043502 (VCV005043502.1).

ClinVar aggregate classification (germline): Pathogenic (3 of 4 stars; one submission).

Conditions:
RPGR-related retinopathy. Also called: RPGR retinopathy. Identifiers: MedGen CN305589, MONDO:0100437.

Submission:

ClinGen X-linked Inherited Retinal Disease Variant Curation Expert Panel, ClinGen
Classification: Pathogenic for RPGR-related retinopathy. Last evaluated: 2026-11-20. Review status: reviewed by expert panel. Criteria: ClinGen X LinkedIRD ACMG Specifications RPGR V1.0.0. Collection method: curation. Allele origin: germline. Inheritance: X-linked inheritance.
Comment: NM_001034853.2(RPGR):c.2581del (p.Glu861LysfsTer?) is a frameshift variant caused by a one-nucleotide deletion, which introduces a premature stop codon within exon 15 of 15 that is predicted to disrupt a critical C-terminal region required for proper glutamylation of RPGR (PVS1, PMID: 36445968). This variant is absent from hemizygous individuals in gnomAD v4.1.2 (PM2_Supporting). At least one proband harboring this variant exhibits a phenotype including extinguished cone and rod electroretinogram responses, X-linked inheritance (2 pts), first decade onset (1 point), decreased visual acuity (0.5 pts), and myopia (0.5 points), with genotyping by next-generation sequencing examining a panel of more than 400 genes and identifying no alternative basis for disease (2 pts), which together are specific for RPGR-related retinopathy (6 points, PMID: 39206744, PP4). In summary, this variant is classified as pathogenic for RPGR-related retinopathy based on the ClinGen X-linked Inherited Retinal Disease Expert Panel Specifications to the ACMG/AMP Variant Interpretation Guidelines for RPGR Version 1.0.0; PVS1, PM2_Supporting, and PP4.